The following is an entry in ClinVar:

ClinVar aggregate classification (germline): Likely pathogenic. Review status: criteria provided, multiple submitters, no conflicts (2 of 4 stars). 2 submissions from 2 submitters: Likely pathogenic (2). Last evaluated 2026-03-06.

Conditions:
Pyruvate kinase deficiency of red cells (CNSHA2). Also called: PK DEFICIENCY; PYRUVATE KINASE DEFICIENCY OF ERYTHROCYTE; Pyruvate kinase deficiency, Amish type. Identifiers: Orphanet 766, MedGen C0340968, MONDO:0009950, OMIM 266200.

gnomAD v4.1: 5 of 1,614,200 alleles (0.00031%); highest among the groups gnomAD compares: Admixed American, 0.0017%; no homozygotes.

Submissions (2):

GeneDx
Classification: Likely pathogenic. Last evaluated: 2026-03-06. Review status: criteria provided, single submitter. Criteria: GeneDx Variant Classification Process June 2021. Collection method: clinical testing. Allele origin: germline.
Comment: Not observed at significant frequency in large population cohorts (gnomAD); In silico analysis supports that this missense variant has a deleterious effect on protein structure/function; This variant is associated with the following publications: (PMID: 28810336, 9075576, 17574881, 9657767, 7655861, 37558589)

Genetics and Molecular Pathology, SA Pathology
Classification: Likely pathogenic for Pyruvate kinase deficiency of red cells. Last evaluated: 2023-02-07. Review status: criteria provided, single submitter. Criteria: ACMG Guidelines, 2015. Collection method: clinical testing. Allele origin: germline. Inheritance: Autosomal recessive inheritance. Affected: yes.
Comment: The PKLR c.823G>C variant is classified as Likely Pathogenic (PS4_Supporting, PS1_Moderate, PM2, PM3, PP3) The PKLR c.823G>C variant is a single nucleotide change in exon 6/11 of the PKLR gene, which is predicted to change the amino acid glycine at position 275 in the protein to arginine. The variant has been reported in 2 cases in the literature with a clinical presentation of haemolytic anaemia (PMID:7655861, PMID:28810336) (PS4_Supporting). This variant is absent from population databases (PM2). This variant has been detected in trans with a pathogenic variant p.Gly341Ala for this recessive condition (PM3). This variant results in the same amino acid change as a previously established variant (HGMD:CM971208 - c.823G>A (p.G275R) PMID:9160692, PMID:31625567) (PS1_moderate). Computational predictions support a deleterious effect on the gene or gene product (PP3). The variant has been reported in dbSNP (rs747549978) and in the HGMD database: CM950947. It has not been reported in ClinVar.

Literature cited by the submitters: PubMed 7655861 (cited by Genetics and Molecular Pathology, SA Pathology); PubMed 9160692 (cited by Genetics and Molecular Pathology, SA Pathology); PubMed 28810336 (cited by Genetics and Molecular Pathology, SA Pathology); PubMed 31625567 (cited by Genetics and Molecular Pathology, SA Pathology).

NM_000298.6(PKLR):c.823G>C (p.Gly275Arg)

Gene: PKLR (pyruvate kinase L/R; minus strand). Cytogenetic location: 1q22.
Variant type: single nucleotide variant.
Coding change: c.823G>C on transcript NM_000298.6 (MANE Select); coding-DNA position 823, G replaced by C.
Protein change: p.Gly275Arg; replaces glycine 275 with arginine.
Molecular consequence: missense variant.
Genome position (GRCh38, 1-based): chr1:155,294,624, C>G on the plus strand (G>C on the coding strand, the complement: PKLR is on the minus strand). VCF-style: chr1-155294624-C-G. GRCh37 (hg19) VCF-style: chr1-155264415-C-G.
Other names: c.730G>C, p.Gly244Arg (NM_181871.4); c.823G>C (NM_000298.5); short protein forms G244R, G275R.
Identifiers: ClinVar variation 2664773 (VCV002664773.2), dbSNP rs747549978, ClinGen allele CA1144200.